The following is an entry in ClinVar:

ClinVar aggregate classification (germline): Uncertain significance (1 of 4 stars; one submission).

Conditions:
Autosomal recessive limb-girdle muscular dystrophy type 2J (LGMDR10). Also called: Limb-girdle muscular dystrophy, type 2J; MUSCULAR DYSTROPHY, LIMB-GIRDLE, AUTOSOMAL RECESSIVE 10. Identifiers: Orphanet 140922, MedGen C1837342, MONDO:0012127, OMIM 608807.
Dilated cardiomyopathy 1G (CMD1G). Identifiers: Orphanet 154, MedGen C1858763, MONDO:0011400, OMIM 604145.

gnomAD v4.1: 5 of 1,614,000 alleles (0.00031%); highest among the groups gnomAD compares: South Asian, 0.0011%; no homozygotes.

Submission:

Labcorp Genetics (formerly Invitae), Labcorp
Classification: Uncertain significance for Dilated cardiomyopathy 1G; Autosomal recessive limb-girdle muscular dystrophy type 2J. Last evaluated: 2025-09-09. Review status: criteria provided, single submitter. Criteria: Invitae Variant Classification Sherloc (09022015). Collection method: clinical testing. Allele origin: germline.
Comment: This sequence change replaces alanine, which is neutral and non-polar, with proline, which is neutral and non-polar, at codon 34499 of the TTN protein (p.Ala34499Pro). This variant is not present in population databases (gnomAD no frequency). This variant has not been reported in the literature in individuals affected with TTN-related conditions. Experimental studies and prediction algorithms are not available or were not evaluated, and the functional significance of this variant is currently unknown. This variant is located in the M band of TTN (PMID: 25589632). Non-truncating variants in this region may be relevant for neuromuscular disorders, but have not been definitively shown to cause cardiomyopathy (PMID: 23975875). In summary, the available evidence is currently insufficient to determine the role of this variant in disease. Therefore, it has been classified as a Variant of Uncertain Significance.

Literature cited by the submitters: PubMed 25589632; PubMed 23975875.

NM_001267550.2(TTN):c.103495G>C (p.Ala34499Pro)

Genes: TTN (titin; minus strand), TTN-AS1 (TTN antisense RNA 1; plus strand). Cytogenetic location: 2q31.2.
Variant type: single nucleotide variant.
Coding change: c.103495G>C on transcript NM_001267550.2 (MANE Select); coding-DNA position 103495, G replaced by C.
Protein change: p.Ala34499Pro; replaces alanine 34499 with proline.
Molecular consequence: missense variant.
Genome position (GRCh38, 1-based): chr2:178,533,120, C>G on the plus strand (G>C on the coding strand, the complement: TTN is on the minus strand). VCF-style: chr2-178533120-C-G. GRCh37 (hg19) VCF-style: chr2-179397847-C-G.
Other names: c.98572G>C, p.Ala32858Pro (NM_001256850.1); c.76300G>C, p.Ala25434Pro (NM_003319.4); c.95791G>C, p.Ala31931Pro (NM_133378.4); c.76675G>C, p.Ala25559Pro (NM_133432.3); c.76876G>C, p.Ala25626Pro (NM_133437.4); short protein forms A25434P, A31931P, A32858P, A25559P, A34499P, A25626P.
Identifiers: ClinVar variation 4788866 (VCV004788866.1).